The following is an entry in ClinVar:

ClinVar aggregate classification (germline): Likely pathogenic (1 of 4 stars; one submission).

Conditions:
Pyruvate dehydrogenase E3 deficiency (DLDD). Also called: MAPLE SYRUP URINE DISEASE, TYPE III; Dihydrolipoamide Dehydrogenase Deficiency; Dihydrolipoamide Dehydrogenase (E3) Deficiency; DLD DEFICIENCY; E3 DEFICIENCY; Dihydrolipoamide Dehydrogenase E3 Deficiency. Identifiers: Orphanet 2394, Orphanet 765, MedGen C5574660, MONDO:0009529, OMIM 246900.

Submission:

Labcorp Genetics (formerly Invitae), Labcorp
Classification: Likely pathogenic for Pyruvate dehydrogenase E3 deficiency. Last evaluated: 2023-07-14. Review status: criteria provided, single submitter. Criteria: Invitae Variant Classification Sherloc (09022015). Collection method: clinical testing. Allele origin: germline.
Comment: In summary, the currently available evidence indicates that the variant is pathogenic, but additional data are needed to prove that conclusively. Therefore, this variant has been classified as Likely Pathogenic. Algorithms developed to predict the effect of sequence changes on RNA splicing suggest that this variant may disrupt the consensus splice site. This variant has not been reported in the literature in individuals affected with DLD-related conditions. This variant is not present in population databases (gnomAD no frequency). This sequence change affects a donor splice site in intron 7 of the DLD gene. It is expected to disrupt RNA splicing. Variants that disrupt the donor or acceptor splice site typically lead to a loss of protein function (PMID: 16199547), and loss-of-function variants in DLD are known to be pathogenic (PMID: 8968745, 9934985).

Literature cited by the submitters: PubMed 16199547; PubMed 8968745; PubMed 9934985.

NM_000108.5(DLD):c.582+2T>C

Gene: DLD (dihydrolipoamide dehydrogenase; plus strand). Cytogenetic location: 7q31.1.
Variant type: single nucleotide variant.
Coding change: c.582+2T>C on transcript NM_000108.5 (MANE Select); the canonical splice donor site of the intron after coding-DNA position 582, T replaced by C.
Molecular consequence: splice donor variant. On other transcripts: intron variant (1).
Genome position (GRCh38, 1-based): chr7:107,905,506, T>C. VCF-style: chr7-107905506-T-C. GRCh37 (hg19) VCF-style: chr7-107545951-T-C.
Other names: c.438+448T>C (NM_001289752.1); c.513+2T>C (NM_001289751.1); c.285+2T>C (NM_001289750.1).
Identifiers: ClinVar variation 2728836 (VCV002728836.3), dbSNP rs2535579623, ClinGen allele CA368855717.